The following is an entry in ClinVar:

ClinVar aggregate classification (germline): Conflicting classifications of pathogenicity. Review status: criteria provided, conflicting classifications (1 of 4 stars). 3 submissions from 2 submitters: Uncertain significance (2); Benign (1). Last evaluated 2018-01-13.

Conditions:
Autosomal dominant nonsyndromic hearing loss 6 (LFSNHL). Also called: DEAFNESS, AUTOSOMAL DOMINANT 6; DEAFNESS, AUTOSOMAL DOMINANT 14; DEAFNESS, AUTOSOMAL DOMINANT 38; Autosomal dominant nonsyndromic deafness 6; DIDMOAD (Diabetes Insipidus, Diabetes Mellitus, Optic Atrophy, and Deafness). Identifiers: Orphanet 90635, MedGen C1833021, MONDO:0010963, OMIM 600965.
WFS1-Related Spectrum Disorders.
Wolfram syndrome 1 (WFS1). Identifiers: Orphanet 3463, MedGen C4551693, MONDO:0009101, OMIM 222300.

Allele frequency attached by ClinVar (database versions not stated): TOPMed 0.00003; gnomAD 0.00004; gnomAD exomes 0.00005.
gnomAD v4.1: 7 of 175,104 alleles (0.004%); highest among the groups gnomAD compares: African/African-American, 0.012%; no homozygotes.

Submissions (3):

Illumina Laboratory Services, Illumina
Classification: Uncertain significance for Autosomal dominant nonsyndromic hearing loss 6. Last evaluated: 2018-01-13. Review status: criteria provided, single submitter. Criteria: ICSL Variant Classification Criteria 13 December 2019. Collection method: clinical testing. Allele origin: germline.

Illumina Laboratory Services, Illumina
Classification: Uncertain significance for WFS1-Related Spectrum Disorders. Last evaluated: 2018-01-13. Review status: criteria provided, single submitter. Criteria: ICSL Variant Classification Criteria 13 December 2019. Collection method: clinical testing. Allele origin: germline.

Clinical Genomics, Uppaluri K&H Personalized Medicine Clinic
Classification: Benign for Wolfram syndrome 1. Review status: criteria provided, single submitter. Criteria: K & H Uppaluri Personalized Medicine Clinic Variant Classification & Assertion Criteria_Updated V.1. Collection method: research. Allele origin: unknown. Inheritance: Autosomal recessive inheritance.
Comment: Potent mutations in WFS1 gene are associated with Wolfram's syndrome, an autosomal recessive condition, which cause diabetes mellitus, diabetes insipidus, deafness and optic atrophy.However no sufficient evidence is found to ascertain the role of this particular variant rs886059536 in Wolfram's syndrome yet.

Literature cited by the submitters: PubMed 20738327 (cited by Clinical Genomics, Uppaluri K&H Personalized Medicine Clinic); PubMed 33879153 (cited by Clinical Genomics, Uppaluri K&H Personalized Medicine Clinic); PubMed 12955714 (cited by Clinical Genomics, Uppaluri K&H Personalized Medicine Clinic); PubMed 18060660 (cited by Clinical Genomics, Uppaluri K&H Personalized Medicine Clinic); PubMed 20301750 (cited by Clinical Genomics, Uppaluri K&H Personalized Medicine Clinic); PubMed 17603484 (cited by Clinical Genomics, Uppaluri K&H Personalized Medicine Clinic).

NM_006005.3(WFS1):c.*506C>T

Gene: WFS1 (wolframin ER transmembrane glycoprotein; plus strand). Cytogenetic location: 4p16.1.
Variant type: single nucleotide variant.
Coding change: c.*506C>T on transcript NM_006005.3 (MANE Select); 506 bases downstream of the stop codon, C replaced by T.
Molecular consequence: 3 prime UTR variant.
Genome position (GRCh38, 1-based): chr4:6,302,974, C>T. VCF-style: chr4-6302974-C-T. GRCh37 (hg19) VCF-style: chr4-6304701-C-T.
Other names: c.*506C>T (NM_001145853.1).
Identifiers: ClinVar variation 349349 (VCV000349349.6), dbSNP rs886059536, ClinGen allele CA10619022.
Genomic context (GRCh38, chr4:6,302,974, plus strand): 5'-CTACACCTTAGCAGCTCTTCCCCTTTCCTGGGGGATGTGCACGGCAGCTTGAGCCTGTCA[C>T]GTGGTCAAGGCCCGGCCCCATCAGAGGCTGGGGGAGGCGGCACATTGGCAGTGTGTCACA-3'